The following is an entry in ClinVar:

ClinVar aggregate classification (germline): Conflicting classifications of pathogenicity. Review status: criteria provided, conflicting classifications (1 of 4 stars). 6 submissions from 6 submitters: Uncertain significance (4); Likely benign (1). 1 of the submissions does not count toward it. Last evaluated 2026-07-06.

Conditions:
MYO7A-related disorder. Also called: MYO7A-related disorders.
Usher syndrome type 1B (USH1B). Also called: Usher syndrome type IB. Identifiers: MedGen C1848638, MONDO:0700087.

Allele frequency attached by ClinVar (database versions not stated): gnomAD 0.00003; TOPMed 0.00004; gnomAD exomes 0.00005 and 0.00012; 1000 Genomes Project 30x 0.00016; ExAC 0.00017; 1000 Genomes Project 0.00020.
gnomAD v4.1: 79 of 1,551,178 alleles (0.0051%); highest among the groups gnomAD compares: Middle Eastern, 0.045%; no homozygotes.

Submissions (6):

PreventionGenetics, part of Exact Sciences
Classification: Uncertain significance for MYO7A-related condition. Last evaluated: 2026-07-06. Review status: criteria provided, single submitter. Criteria: ACMG Guidelines, 2015. Collection method: clinical testing. Allele origin: germline.
Comment: The MYO7A c.5264C>T variant is predicted to result in the amino acid substitution p.Ala1755Val. To our knowledge, this variant has not been reported in the literature. This variant is reported in 0.032% of alleles in individuals of Latino descent in gnomAD. At this time, the clinical significance of this variant is uncertain due to the absence of conclusive functional and genetic evidence.

Labcorp Genetics (formerly Invitae), Labcorp
Classification: Likely benign. Last evaluated: 2025-10-26. Review status: criteria provided, single submitter. Criteria: Invitae Variant Classification Sherloc (09022015). Collection method: clinical testing. Allele origin: germline.

GeneDx
Classification: Uncertain significance. Last evaluated: 2022-12-05. Review status: criteria provided, single submitter. Criteria: GeneDx Variant Classification Process June 2021. Collection method: clinical testing. Allele origin: germline. Affected: yes.
Comment: In silico analysis supports a deleterious effect on splicing; In silico analysis, which includes protein predictors and evolutionary conservation, supports that this variant does not alter protein structure/function; Has not been previously published as pathogenic or benign to our knowledge

Blueprint Genetics
Classification: Uncertain significance. Last evaluated: 2022-10-15. Review status: criteria provided, single submitter. Criteria: ACMG Guidelines, 2015. Collection method: clinical testing. Allele origin: germline.

Laboratory for Molecular Medicine, Mass General Brigham Personalized Medicine
Classification: Uncertain significance. Last evaluated: 2015-08-26. Review status: criteria provided, single submitter. Criteria: LMM Criteria. Collection method: clinical testing. Allele origin: germline. Observed: 1 variant allele.
Comment: The p.Ala1755Val variant in MYO7A has not been previously reported in individual s with hearing loss or Usher syndrome, but has been identified in 3/7904 South A sian chromosomes by the Exome Aggregation Consortium (ExAC). Splice prediction tools suggest the creation of a cryptic 5' splice site; however, this information is not predictive enough to determine pathogeni city. Additional computational prediction tools and conservation analysis do not provide strong support for or against an impact to the protein. In summary, the clinical significance of the p.Ala1755Val variant is uncertain.

Natera, Inc.
Classification: Uncertain significance for Usher syndrome type 1B. Last evaluated: 2019-11-11. Review status: no assertion criteria provided. Collection method: clinical testing. Allele origin: germline. Not counted in ClinVar's aggregate classification.

NM_000260.4(MYO7A):c.5264C>T (p.Ala1755Val)

Gene: MYO7A (myosin VIIA; plus strand). Cytogenetic location: 11q13.5.
Variant type: single nucleotide variant.
Coding change: c.5264C>T on transcript NM_000260.4 (MANE Select); coding-DNA position 5264, C replaced by T.
Protein change: p.Ala1755Val; replaces alanine 1755 with valine.
Molecular consequence: missense variant.
Genome position (GRCh38, 1-based): chr11:77,203,155, C>T. VCF-style: chr11-77203155-C-T. GRCh37 (hg19) VCF-style: chr11-76914200-C-T.
Other names: c.5150C>T, p.Ala1717Val (NM_001127180.2); c.5117C>T, p.Ala1706Val (NM_001369365.1); short protein forms A1755V, A1717V, A1706V.
Identifiers: ClinVar variation 229008 (VCV000229008.17), dbSNP rs574917232, ClinGen allele CA6198660.